The following is an entry in ClinVar:

ClinVar aggregate classification (germline): Uncertain significance (1 of 4 stars; one submission).

Allele frequency attached by ClinVar (database versions not stated): gnomAD exomes 0.00002; TOPMed 0.00005; gnomAD 0.00006; ESP Exome Variant Server 0.00008.
gnomAD v4.1: 58 of 1,562,626 alleles (0.0037%); highest among the groups gnomAD compares: African/African-American, 0.0054%; no homozygotes.

Submission:

Labcorp Genetics (formerly Invitae), Labcorp
Classification: Uncertain significance. Last evaluated: 2022-08-15. Review status: criteria provided, single submitter. Criteria: Invitae Variant Classification Sherloc (09022015). Collection method: clinical testing. Allele origin: germline.
Comment: This sequence change replaces glutamic acid, which is acidic and polar, with lysine, which is basic and polar, at codon 752 of the COL18A1 protein (p.Glu752Lys). The frequency data for this variant in the population databases is considered unreliable, as metrics indicate poor data quality at this position in the gnomAD database. This variant has not been reported in the literature in individuals affected with COL18A1-related conditions. ClinVar contains an entry for this variant (Variation ID: 1382723). Experimental studies and prediction algorithms are not available or were not evaluated, and the functional significance of this variant is currently unknown. In summary, the available evidence is currently insufficient to determine the role of this variant in disease. Therefore, it has been classified as a Variant of Uncertain Significance.

NM_001379500.1(COL18A1):c.2254G>A (p.Glu752Lys)

Gene: COL18A1 (collagen type XVIII alpha 1 chain; plus strand). Cytogenetic location: 21q22.3.
Variant type: single nucleotide variant.
Coding change: c.2254G>A on transcript NM_001379500.1 (MANE Select); coding-DNA position 2254, G replaced by A.
Protein change: p.Glu752Lys; replaces glutamic acid 752 with lysine.
Molecular consequence: missense variant.
Genome position (GRCh38, 1-based): chr21:45,493,202, G>A. VCF-style: chr21-45493202-G-A. GRCh37 (hg19) VCF-style: chr21-46913116-G-A.
Other names: c.2794G>A, p.Glu932Lys (NM_030582.4); c.3499G>A, p.Glu1167Lys (NM_130444.3); short protein forms E1167K, E932K, E752K.
Identifiers: ClinVar variation 1382723 (VCV001382723.3), dbSNP rs370009347, ClinGen allele CA321919395.